The following is an entry in ClinVar:

ClinVar aggregate classification (germline): Uncertain significance. Review status: criteria provided, multiple submitters, no conflicts (2 of 4 stars). 2 submissions from 2 submitters: Uncertain significance (2). Last evaluated 2026-02-24.

Conditions:
OPTN-related disorder. Also called: OPTN-related condition; OPTN-related disorders.
Glaucoma 1, open angle, E. Identifiers: MedGen C1842026, MONDO:0007665.
Amyotrophic lateral sclerosis type 12 (ALS12). Also called: AMYOTROPHIC LATERAL SCLEROSIS 12 WITH OR WITHOUT FRONTOTEMPORAL DEMENTIA. Identifiers: Orphanet 803, MedGen C3150692, MONDO:0013264, OMIM 613435.
Primary open angle glaucoma (POAG). Also called: OPTN-related open angle glaucoma. Identifiers: MedGen C0339573, MONDO:0100553, OMIM 137760.

Allele frequency attached by ClinVar (database versions not stated): ExAC 0.00001; gnomAD 0.00001; gnomAD exomes 0.00001; TOPMed 0.00001.
gnomAD v4.1: 17 of 1,614,006 alleles (0.0011%); highest among the groups gnomAD compares: Admixed American, 0.0017%; no homozygotes.

Submissions (2):

PreventionGenetics, part of Exact Sciences
Classification: Uncertain significance for OPTN-related condition. Last evaluated: 2026-02-24. Review status: criteria provided, single submitter. Criteria: ACMG Guidelines, 2015. Collection method: clinical testing. Allele origin: germline.
Comment: The OPTN c.644G>A variant is predicted to result in the amino acid substitution p.Arg215Lys. This variant has been reported in an cohort study of individuals with amyotrophic lateral sclerosis (eTable 1, Grassano et al. 2022. PubMed ID: 35896380). This variant is reported in 0.0031% of alleles in individuals of European (Non-Finnish) descent in gnomAD. At this time, the clinical significance of this variant is uncertain due to the absence of conclusive functional and genetic evidence.

Labcorp Genetics (formerly Invitae), Labcorp
Classification: Uncertain significance for Primary open angle glaucoma; Glaucoma 1, open angle, E; Amyotrophic lateral sclerosis type 12. Last evaluated: 2022-03-12. Review status: criteria provided, single submitter. Criteria: Invitae Variant Classification Sherloc (09022015). Collection method: clinical testing. Allele origin: germline.
Comment: In summary, the available evidence is currently insufficient to determine the role of this variant in disease. Therefore, it has been classified as a Variant of Uncertain Significance. Algorithms developed to predict the effect of sequence changes on RNA splicing suggest that this variant may disrupt the consensus splice site. Algorithms developed to predict the effect of missense changes on protein structure and function (SIFT, PolyPhen-2, Align-GVGD) all suggest that this variant is likely to be tolerated. This variant has not been reported in the literature in individuals affected with OPTN-related conditions. This variant is present in population databases (rs369585614, gnomAD 0.002%). This sequence change replaces arginine, which is basic and polar, with lysine, which is basic and polar, at codon 215 of the OPTN protein (p.Arg215Lys).

NM_001008212.2(OPTN):c.644G>A (p.Arg215Lys)

Gene: OPTN (optineurin; plus strand). Cytogenetic location: 10p13.
Variant type: single nucleotide variant.
Coding change: c.644G>A on transcript NM_001008212.2 (MANE Select); coding-DNA position 644, G replaced by A.
Protein change: p.Arg215Lys; replaces arginine 215 with lysine.
Molecular consequence: missense variant.
Genome position (GRCh38, 1-based): chr10:13,118,905, G>A. VCF-style: chr10-13118905-G-A. GRCh37 (hg19) VCF-style: chr10-13160905-G-A.
Other names: c.644G>A, p.Arg215Lys (NM_001008211.1, NM_001008213.1, NM_021980.4); short protein forms R215K.
Identifiers: ClinVar variation 2045923 (VCV002045923.5), dbSNP rs369585614, ClinGen allele CA5410706.